The following is an entry in ClinVar:

ClinVar aggregate classification (germline): Uncertain significance (1 of 4 stars; one submission).

Submission:

Labcorp Genetics (formerly Invitae), Labcorp
Classification: Uncertain significance. Last evaluated: 2022-04-20. Review status: criteria provided, single submitter. Criteria: Invitae Variant Classification Sherloc (09022015). Collection method: clinical testing. Allele origin: germline.
Comment: In summary, the available evidence is currently insufficient to determine the role of this variant in disease. Therefore, it has been classified as a Variant of Uncertain Significance. Algorithms developed to predict the effect of missense changes on protein structure and function are either unavailable or do not agree on the potential impact of this missense change (SIFT: "Deleterious"; PolyPhen-2: "Possibly Damaging"; Align-GVGD: "Class C0"). This variant has not been reported in the literature in individuals affected with CACNA1D-related conditions. This variant is not present in population databases (gnomAD no frequency). This sequence change replaces serine, which is neutral and polar, with proline, which is neutral and non-polar, at codon 1327 of the CACNA1D protein (p.Ser1327Pro).

NM_001128840.3(CACNA1D):c.3919T>C (p.Ser1307Pro)

Gene: CACNA1D (calcium voltage-gated channel subunit alpha1 D; plus strand). Cytogenetic location: 3p21.1.
Variant type: single nucleotide variant.
Coding change: c.3919T>C on transcript NM_001128840.3 (MANE Select); coding-DNA position 3919, T replaced by C.
Protein change: p.Ser1307Pro; replaces serine 1307 with proline.
Molecular consequence: missense variant.
Genome position (GRCh38, 1-based): chr3:53,770,427, T>C. VCF-style: chr3-53770427-T-C. GRCh37 (hg19) VCF-style: chr3-53804454-T-C.
Other names: c.3979T>C, p.Ser1327Pro (NM_000720.4); c.3874T>C, p.Ser1292Pro (NM_001128839.3); short protein forms S1292P, S1307P, S1327P.
Identifiers: ClinVar variation 2128308 (VCV002128308.4), dbSNP rs2474189667, ClinGen allele CA353257318.